The following is an entry in ClinVar:

NM_000515.5(GH1):c.171+6C>T

Genes: GH-LCR (growth hormone locus control region; plus strand), GH1 (growth hormone 1; minus strand). Cytogenetic location: 17q23.3.
Variant type: single nucleotide variant.
Coding change: c.171+6C>T on transcript NM_000515.5 (MANE Select); 6 bases into the intron after coding-DNA position 171, C replaced by T.
Molecular consequence: intron variant.
Genome position (GRCh38, 1-based): chr17:63,918,340, G>A on the plus strand (C>T on the coding strand, the complement: GH1 is on the minus strand). VCF-style: chr17-63918340-G-A. GRCh37 (hg19) VCF-style: chr17-61995700-G-A.
Other names: c.171+6C>T (NM_022560.4, NM_022559.4).
Identifiers: ClinVar variation 889156 (VCV000889156.29), dbSNP rs191202934, ClinGen allele CA8708330.
Genomic context (GRCh38, chr17:63,918,340, plus strand): 5'-TTCCCAGCGGGGGAAAGTCACCCCTTCCTGCCACCCCTGATGCGCACCCATTCCCCAAGA[G>A]CTTACAAACTCCTGGTAGGTGTCAAAGGCCAGCTGGTGCAGACGATGGGCGCGGAGCATA-3'

ClinVar aggregate classification (germline): Conflicting classifications of pathogenicity. Review status: criteria provided, conflicting classifications (1 of 4 stars). 3 submissions from 3 submitters: Uncertain significance (2); Likely benign (1). Last evaluated 2025-12-02.

Conditions:
Decreased response to growth hormone stimulation test. Also called: Growth hormone deficiency. Identifiers: MedGen C5539399, HP:0000824.

Allele frequency attached by ClinVar (database versions not stated): gnomAD 0.00007; ESP Exome Variant Server 0.00008; TOPMed 0.00008.
gnomAD v4.1: 175 of 1,614,030 alleles (0.011%); highest among the groups gnomAD compares: South Asian, 0.034%; 2 homozygotes.

Submissions (3):

Labcorp Genetics (formerly Invitae), Labcorp
Classification: Uncertain significance. Last evaluated: 2025-12-02. Review status: criteria provided, single submitter. Criteria: Invitae Variant Classification Sherloc (09022015). Collection method: clinical testing. Allele origin: germline.
Comment: This sequence change falls in intron 2 of the GH1 gene. It does not directly change the encoded amino acid sequence of the GH1 protein. It affects a nucleotide within the consensus splice site. This variant is present in population databases (rs191202934, gnomAD 0.04%). This variant has not been reported in the literature in individuals affected with GH1-related conditions. ClinVar contains an entry for this variant (Variation ID: 889156). Variants that disrupt the consensus splice site are a relatively common cause of aberrant splicing (PMID: 17576681, 9536098). Algorithms developed to predict the effect of sequence changes on RNA splicing suggest that this variant is not likely to affect RNA splicing. In summary, the available evidence is currently insufficient to determine the role of this variant in disease. Therefore, it has been classified as a Variant of Uncertain Significance.

CeGaT Center for Human Genetics Tuebingen
Classification: Likely benign. Last evaluated: 2022-12-01. Review status: criteria provided, single submitter. Criteria: CeGaT Center For Human Genetics Tuebingen Variant Classification Criteria Version 2. Collection method: clinical testing. Allele origin: germline. Affected: yes. Observed: 1 variant allele.
Comment: GH1: BP4

Illumina Laboratory Services, Illumina
Classification: Uncertain significance for Growth hormone deficiency. Last evaluated: 2018-01-13. Review status: criteria provided, single submitter. Criteria: ICSL Variant Classification Criteria 13 December 2019. Collection method: clinical testing. Allele origin: germline.

Literature cited by the submitters: PubMed 17576681 (cited by Labcorp Genetics (formerly Invitae), Labcorp); PubMed 9536098 (cited by Labcorp Genetics (formerly Invitae), Labcorp).